The following is an entry in ClinVar:

NM_000110.4(DPYD):c.1132G>T (p.Glu378Ter)

Gene: DPYD (dihydropyrimidine dehydrogenase; minus strand). Cytogenetic location: 1p21.3.
Variant type: single nucleotide variant.
Coding change: c.1132G>T on transcript NM_000110.4 (MANE Select); coding-DNA position 1132, G replaced by T.
Protein change: p.Glu378Ter; replaces glutamic acid 378 with a stop codon.
Molecular consequence: nonsense.
Genome position (GRCh38, 1-based): chr1:97,573,967, C>A on the plus strand (G>T on the coding strand, the complement: DPYD is on the minus strand). VCF-style: chr1-97573967-C-A. GRCh37 (hg19) VCF-style: chr1-98039523-C-A.
Other names: short protein forms E378*.
Identifiers: ClinVar variation 5016054 (VCV005016054.1).

ClinVar aggregate classification (germline): Pathogenic (1 of 4 stars; one submission).

Conditions:
Dihydropyrimidine dehydrogenase deficiency (DPYDD). Also called: DPD DEFICIENCY; DPYD DEFICIENCY; Hereditary Thymine-Uraciluria. Identifiers: Orphanet 1675, MedGen C1959620, MONDO:0010130, OMIM 274270.

Submission:

Myriad Genetics, Inc.
Classification: Pathogenic for Dihydropyrimidine dehydrogenase deficiency. Last evaluated: 2026-06-18. Review status: criteria provided, single submitter. Criteria: Myriad Autosomal Dominant, Autosomal Recessive and X-Linked Classification Criteria (2023). Collection method: clinical testing. Allele origin: unknown.
Comment: NM_000110.3(DPYD):c.1132G>T(E378*) is expected to be pathogenic in the context of dihydropyrimidine dehydrogenase deficiency. This variant is predicted to lead to an abnormal or absent protein product due to the creation of a premature termination codon in DPYD, a gene where loss-of-function variants are known to be pathogenic. Please note: this variant was assessed in the context of healthy population screening.